The following is an entry in ClinVar:

NM_058216.3(RAD51C):c.965+5G>C

Gene: RAD51C (RAD51 paralog C; plus strand). Cytogenetic location: 17q22.
Variant type: single nucleotide variant.
Coding change: c.965+5G>C on transcript NM_058216.3 (MANE Select); 5 bases into the intron after coding-DNA position 965, G replaced by C.
Molecular consequence: intron variant.
Genome position (GRCh38, 1-based): chr17:58,724,105, G>C. VCF-style: chr17-58724105-G-C. GRCh37 (hg19) VCF-style: chr17-56801466-G-C.
Identifiers: ClinVar variation 3772695 (VCV003772695.1).

ClinVar aggregate classification (germline): Likely pathogenic (1 of 4 stars; one submission).

Conditions:
Breast-ovarian cancer, familial, susceptibility to, 3. Also called: RAD51C-Related Breast/Ovarian Cancer. Identifiers: Orphanet 145, MedGen C3150659, MONDO:0013253, OMIM 613399.

Submission:

Myriad Genetics, Inc.
Classification: Likely pathogenic for Breast-ovarian cancer, familial, susceptibility to, 3. Last evaluated: 2024-12-12. Review status: criteria provided, single submitter. Criteria: Myriad Autosomal Dominant, Autosomal Recessive and X-Linked Classification Criteria (2023). Collection method: clinical testing. Allele origin: unknown.
Comment: This variant is considered likely pathogenic. Functional studies indicate this variant impacts protein function [PMID: 37444530, 33011440, 22725699, 39299233].

Literature cited by the submitters: PubMed 37444530; PubMed 33011440; PubMed 22725699; PubMed 39299233.